The following is an entry in ClinVar:

NM_000052.7(ATP7A):c.502G>A (p.Ala168Thr)

Gene: ATP7A (ATPase copper transporting alpha; plus strand). Cytogenetic location: Xq21.1.
Variant type: single nucleotide variant.
Coding change: c.502G>A on transcript NM_000052.7 (MANE Select); coding-DNA position 502, G replaced by A.
Protein change: p.Ala168Thr; replaces alanine 168 with threonine.
Molecular consequence: missense variant.
Genome position (GRCh38, 1-based): chrX:77,988,623, G>A. VCF-style: chrX-77988623-G-A. GRCh37 (hg19) VCF-style: chrX-77244119-G-A.
Other names: c.502G>A, p.Ala168Thr (NM_001282224.2); short protein forms A168T.
Identifiers: ClinVar variation 568043 (VCV000568043.14), dbSNP rs781838499, ClinGen allele CA10458929.
Genomic context (GRCh38, chrX:77,988,623, plus strand): 5'-TTAGATACTGGGACACTGGAGAAAAAGTCAGGAGCTTGTGAAGATCATAGTATGGCTCAA[G>A]CTGGTGAAGTCGTGCTGAAGATGAAAGTGGAAGGGATGACCTGCCATTCATGTACTAGCA-3'
Protein context (NP_000043.4, residues 158-178): GACEDHSMAQ[Ala168Thr]GEVVLKMKVE

ClinVar aggregate classification (germline): Likely benign. Review status: criteria provided, multiple submitters, no conflicts (2 of 4 stars). 3 submissions from 3 submitters: Likely benign (3). Last evaluated 2026-06-01.

Conditions:
Inborn genetic diseases. Identifiers: MedGen C0950123, MeSH D030342.
Cutis laxa, X-linked (OHS). Also called: EDS IX; Occipital horn syndrome. Identifiers: Orphanet 198, MedGen C0268353, MONDO:0010572, OMIM 304150.
X-linked distal spinal muscular atrophy type 3. Also called: SPINAL MUSCULAR ATROPHY, DISTAL, X-LINKED RECESSIVE; NEURONOPATHY, DISTAL HEREDITARY MOTOR, X-LINKED; NEUROPATHY, DISTAL HEREDITARY MOTOR, X-LINKED; ATP7A-Related Distal Motor Neuropathy. Identifiers: Orphanet 139557, MedGen C1845359, MONDO:0010338, OMIM 300489.
Menkes kinky-hair syndrome (MNK). Also called: Copper transport disease; Classic Menkes Disease; Menkes Disease. Identifiers: Orphanet 565, MedGen C0022716, MONDO:0010651, OMIM 309400.

Allele frequency attached by ClinVar (database versions not stated): gnomAD exomes 0.00001 and 0.00005; gnomAD 0.00002; TOPMed 0.00004; ExAC 0.00005.
gnomAD v4.1: 17 of 1,209,839 alleles (0.0014%); highest among the groups gnomAD compares: Admixed American, 0.026%; no homozygotes.

Submissions (3):

CeGaT Center for Human Genetics Tuebingen
Classification: Likely benign. Last evaluated: 2026-06-01. Review status: criteria provided, single submitter. Criteria: CeGaT Center For Human Genetics Tuebingen Variant Classification Criteria Version 2. Collection method: clinical testing. Allele origin: germline. Affected: yes. Observed: 1 variant allele.
Comment: ATP7A: PM2, BP4, BS2

Labcorp Genetics (formerly Invitae), Labcorp
Classification: Likely benign for X-linked distal spinal muscular atrophy type 3; Cutis laxa, X-linked; Menkes kinky-hair syndrome. Last evaluated: 2025-12-10. Review status: criteria provided, single submitter. Criteria: Invitae Variant Classification Sherloc (09022015). Collection method: clinical testing. Allele origin: germline.

Ambry Genetics
Classification: Likely benign for Inborn genetic diseases. Last evaluated: 2021-10-08. Review status: criteria provided, single submitter. Criteria: Ambry Variant Classification Scheme 2023. Collection method: clinical testing. Allele origin: germline.